The following is an entry in ClinVar:

ClinVar aggregate classification (germline): Uncertain significance (1 of 4 stars; one submission).

Allele frequency attached by ClinVar (database versions not stated): gnomAD 0.00001.
gnomAD v4.1: 1 of 1,613,382 alleles (0.000062%); highest among the groups gnomAD compares: Admixed American, 0.0017%; no homozygotes.

Submission:

Labcorp Genetics (formerly Invitae), Labcorp
Classification: Uncertain significance. Last evaluated: 2021-04-11. Review status: criteria provided, single submitter. Criteria: Invitae Variant Classification Sherloc (09022015). Collection method: clinical testing. Allele origin: germline.
Comment: Algorithms developed to predict the effect of missense changes on protein structure and function (SIFT, PolyPhen-2, Align-GVGD) all suggest that this variant is likely to be disruptive, but these predictions have not been confirmed by published functional studies and their clinical significance is uncertain. In summary, the available evidence is currently insufficient to determine the role of this variant in disease. Therefore, it has been classified as a Variant of Uncertain Significance. This variant has not been reported in the literature in individuals with ADAMTS13-related conditions. This variant is not present in population databases (ExAC no frequency). This sequence change replaces leucine with arginine at codon 574 of the ADAMTS13 protein (p.Leu574Arg). The leucine residue is highly conserved and there is a moderate physicochemical difference between leucine and arginine.

NM_139027.6(ADAMTS13):c.1721T>G (p.Leu574Arg)

Gene: ADAMTS13 (ADAM metallopeptidase with thrombospondin type 1 motif 13; plus strand). Cytogenetic location: 9q34.2.
Variant type: single nucleotide variant.
Coding change: c.1721T>G on transcript NM_139027.6 (MANE Select); coding-DNA position 1721, T replaced by G.
Protein change: p.Leu574Arg; replaces leucine 574 with arginine.
Molecular consequence: missense variant. On other transcripts: non-coding transcript variant (1).
Genome position (GRCh38, 1-based): chr9:133,439,381, T>G. VCF-style: chr9-133439381-T-G. GRCh37 (hg19) VCF-style: chr9-136304502-T-G.
Other names: c.1721T>G, p.Leu574Arg (NM_139025.5); c.1628T>G, p.Leu543Arg (NM_139026.6); short protein forms L543R, L574R.
Identifiers: ClinVar variation 1525417 (VCV001525417.8), dbSNP rs1841492385, ClinGen allele CA375394230.